The following is an entry in ClinVar:

ClinVar aggregate classification (germline): Uncertain significance (1 of 4 stars; one submission).

Allele frequency attached by ClinVar (database versions not stated): gnomAD 0.00001; gnomAD exomes 0.00001.

Submission:

Labcorp Genetics (formerly Invitae), Labcorp
Classification: Uncertain significance. Last evaluated: 2022-02-18. Review status: criteria provided, single submitter. Criteria: Invitae Variant Classification Sherloc (09022015). Collection method: clinical testing. Allele origin: germline.
Comment: This sequence change replaces methionine, which is neutral and non-polar, with threonine, which is neutral and polar, at codon 142 of the FDX2 protein (p.Met142Thr). This variant is not present in population databases (gnomAD no frequency). This variant has not been reported in the literature in individuals affected with FDX2-related conditions. Algorithms developed to predict the effect of missense changes on protein structure and function are either unavailable or do not agree on the potential impact of this missense change (SIFT: "Deleterious"; PolyPhen-2: "Not Available"; Align-GVGD: "Class C0"). In summary, the available evidence is currently insufficient to determine the role of this variant in disease. Therefore, it has been classified as a Variant of Uncertain Significance.

NM_001397406.1(FDX2):c.416T>C (p.Met139Thr)

Genes: FDX2 (ferredoxin 2; minus strand), FDX2-ZGLP1 (FDX2-ZGLP1 readthrough; minus strand). Cytogenetic location: 19p13.2.
Variant type: single nucleotide variant.
Coding change: c.416T>C on transcript NM_001397406.1 (MANE Select); coding-DNA position 416, T replaced by C.
Protein change: p.Met139Thr; replaces methionine 139 with threonine.
Molecular consequence: missense variant.
Genome position (GRCh38, 1-based): chr19:10,310,622, A>G on the plus strand (T>C on the coding strand, the complement: FDX2 is on the minus strand). VCF-style: chr19-10310622-A-G. GRCh37 (hg19) VCF-style: chr19-10421298-A-G.
Other names: c.425T>C, p.Met142Thr (NM_001031734.4); short protein forms M142T, M139T.
Identifiers: ClinVar variation 2098533 (VCV002098533.1), dbSNP rs2040313542, ClinGen allele CA403978510.